The following is an entry in ClinVar:

ClinVar aggregate classification (germline): Uncertain significance (1 of 4 stars; one submission).

Conditions:
Dyskeratosis congenita. Identifiers: Orphanet 1775, MedGen C0265965, MONDO:0015780.

Allele frequency attached by ClinVar (database versions not stated): TOPMed below 0.00001.

Submission:

Labcorp Genetics (formerly Invitae), Labcorp
Classification: Uncertain significance for Dyskeratosis congenita. Last evaluated: 2017-01-17. Review status: criteria provided, single submitter. Criteria: Invitae Variant Classification Sherloc (09022015). Collection method: clinical testing. Allele origin: germline.
Comment: In summary, this variant is a novel missense change that is not predicted to affect protein function. There is no indication that it causes disease, but the available evidence is currently insufficient to prove that conclusively. Therefore, it has been classified as a Variant of Uncertain Significance. Algorithms developed to predict the effect of missense changes on protein structure and function output the following: (SIFT: "Tolerated"; PolyPhen-2: "Benign"; Align-GVGD: "Class C0"). The valine amino acid residue is found in multiple mammalian species, suggesting that this missense change does not adversely affect protein function. These predictions have not been confirmed by published functional studies. This variant is not present in population databases (ExAC no frequency) and has not been reported in the literature in individuals with a DKC1-related disease. This sequence change replaces isoleucine with valine at codon 347 of the DKC1 protein (p.Ile347Val). The isoleucine residue is highly conserved and there is a small physicochemical difference between isoleucine and valine.

NM_001363.5(DKC1):c.1039A>G (p.Ile347Val)

Gene: DKC1 (dyskerin pseudouridine synthase 1; plus strand). Cytogenetic location: Xq28.
Variant type: single nucleotide variant.
Coding change: c.1039A>G on transcript NM_001363.5 (MANE Select); coding-DNA position 1039, A replaced by G.
Protein change: p.Ile347Val; replaces isoleucine 347 with valine.
Molecular consequence: missense variant. On other transcripts: non-coding transcript variant (3).
Genome position (GRCh38, 1-based): chrX:154,773,133, A>G. VCF-style: chrX-154773133-A-G. GRCh37 (hg19) VCF-style: chrX-154001408-A-G.
Other names: c.1039A>G, p.Ile347Val (NM_001142463.3, NM_001288747.2); short protein forms I347V.
Identifiers: ClinVar variation 459580 (VCV000459580.8), dbSNP rs1248744087, ClinGen allele CA414894870.
Genomic context (GRCh38, chrX:154,773,133, plus strand): 5'-ATCAATTATCAATTCTTTCACCCTTCAAATAATTCTTTTCTTTATTCAATGCCTGTAGCT[A>G]TTGCATTAATGACCACAGCGGTCATCTCTACCTGCGACCATGGTATAGTAGCCAAGATCA-3'
Protein context (NP_001354.1, residues 337-357): TTKGEAICMA[Ile347Val]ALMTTAVIST